The following is an entry in ClinVar:

NM_000059.4(BRCA2):c.8362T>C (p.Trp2788Arg)

Gene: BRCA2 (BRCA2 DNA repair associated; plus strand). Cytogenetic location: 13q13.1.
Variant type: single nucleotide variant.
Coding change: c.8362T>C on transcript NM_000059.4 (MANE Select); coding-DNA position 8362, T replaced by C.
Protein change: p.Trp2788Arg; replaces tryptophan 2788 with arginine.
Molecular consequence: missense variant.
Genome position (GRCh38, 1-based): chr13:32,370,432, T>C. VCF-style: chr13-32370432-T-C. GRCh37 (hg19) VCF-style: chr13-32944569-T-C.
Other names: NM_000059.4(BRCA2):c.8362T>C; p.Trp2788Arg; short protein forms W2788R.
Identifiers: ClinVar variation 52563 (VCV000052563.23), dbSNP rs80359079, ClinGen allele CA025602.

ClinVar aggregate classification (germline): Likely pathogenic. Review status: reviewed by expert panel (3 of 4 stars). 6 submissions from 6 submitters: Likely pathogenic (1). 5 of the submissions do not count toward it. Last evaluated 2025-08-18.

Conditions:
Hereditary breast ovarian cancer syndrome. Also called: Hereditary breast and ovarian cancer syndrome; Hereditary breast and ovarian cancer; Hereditary breast and ovarian cancer syndrome (HBOC); Breast and ovarian cancer; Hereditary breast and/or ovarian cancer syndrome; BRCA1- and BRCA2-Associated Hereditary Breast and Ovarian Cancer. Identifiers: Orphanet 145, MedGen C0677776, MeSH D061325, MONDO:0003582. Disease mechanism: loss of function.
Hereditary cancer-predisposing syndrome. Also called: Neoplastic Syndromes, Hereditary; Tumor predisposition; Hereditary neoplastic syndrome; Hereditary Cancer Syndrome. Identifiers: Orphanet 140162, MedGen C0027672, MeSH D009386, MONDO:0015356.
BRCA2-related cancer predisposition. Identifiers: MedGen CN377758, MONDO:0700269.
Breast-ovarian cancer, familial, susceptibility to, 2 (BROVCA2). Also called: BRCA2 Hereditary Breast and Ovarian Cancer. Identifiers: Orphanet 145, MedGen C2675520, MONDO:0012933, OMIM 612555. Disease mechanism: loss of function.

Submissions (6):

ClinGen ENIGMA BRCA1 and BRCA2 Variant Curation Expert Panel, ClinGen
Classification: Likely pathogenic for BRCA2-related cancer predisposition. Last evaluated: 2025-08-18. Review status: reviewed by expert panel. Criteria: CSpec BRCA1/2ACMG Rules Specifications V1.2. Collection method: curation. Allele origin: germline. Inheritance: Autosomal dominant inheritance.
Comment: The c.8362T>C variant in BRCA2 is a missense variant predicted to cause substitution of Tryptophan by Arginine at amino acid 2788 (p.(Trp2788Arg)). This variant is absent from gnomAD v2.1 (exomes only, non-cancer subset, read depth ≥25) and gnomAD v3.1 (non-cancer subset, read depth ≥25) (PM2_Supporting met). Reported by four calibrated studies to exhibit protein function similar to pathogenic control variants (PMIDs:38417439, 39779848, 39779857, 37713444) (PS3 met). This BRCA2 missense variant is within a key functional domain and the computational predictor BayesDel (noAF) gives a score of 0.32, above the recommended threshold of 0.30 for prediction of impact on BRCA2 function via protein change. A SpliceAI score of 0.01 predicts no impact on splicing (score threshold <0.10) (PP3 met). Multifactorial likelihood ratio analysis using clinically calibrated data produced a combined LR for this variant of 1.19 (based on Co-occurrence LR=1.03; Family History LR=1.16), which is above the ENIGMA BRCA1/2 VCEP threshold for BP5 (>0.48) and below PP4 (<2.08) (BP5 and PP4 not met; PMID: 31853058, Internal lab contributor). In summary, this variant meets the criteria to be classified as a Likely pathogenic variant for BRCA2-related cancer predisposition based on the ACMG/AMP criteria applied as specified by the ENIGMA BRCA1/2 VCEP (PM2_Supporting, PS3, PP3).

GeneDx
Classification: Likely pathogenic. Last evaluated: 2025-03-04. Review status: criteria provided, single submitter. Criteria: GeneDx Variant Classification Process June 2021. Collection method: clinical testing. Allele origin: germline. Affected: yes. Not counted in ClinVar's aggregate classification.
Comment: Published functional studies demonstrate a damaging effect: decreased homology-directed DNA break repair activity (PMID: 35736817, 39779848, 29394989, 31131967, 29884841, 33609447, 35665744); Not observed at significant frequency in large population cohorts (gnomAD); In silico analysis supports that this missense variant has a deleterious effect on protein structure/function; Also known as 8590T>C; This variant is associated with the following publications: (PMID: 29394989, 31131967, 29884841, 33609447, 35665744, 35736817, 39779848, 12228710)

Ambry Genetics
Classification: Likely pathogenic for Hereditary cancer-predisposing syndrome. Last evaluated: 2024-10-11. Review status: criteria provided, single submitter. Criteria: Ambry Variant Classification Scheme 2023. Collection method: clinical testing. Allele origin: germline. Not counted in ClinVar's aggregate classification.
Comment: The p.W2788R variant (also known as c.8362T>C), located in coding exon 18 of the BRCA2 gene, results from a T to C substitution at nucleotide position 8362. The tryptophan at codon 2788 is replaced by arginine, an amino acid with dissimilar properties. This variant was non-functional in multiple homology-directed DNA repair (HDR) assays (Guidugli L et al. Am. J. Hum. Genet. 2018 02;102(2):233-248; Richardson ME et al. Am J Hum Genet, 2021 Mar;108:458-468). Based on internal structural analysis, this alteration is likely to disrupt the local structure (Ambry internal data; Yang H et al. Science, 2002 Sep;297:1837-48). This amino acid position is highly conserved in available vertebrate species. In addition, this alteration is predicted to be deleterious by in silico analysis. This variant is considered to be rare based on population cohorts in the Genome Aggregation Database (gnomAD). Based on the majority of available evidence to date, this variant is likely to be pathogenic.

Labcorp Genetics (formerly Invitae), Labcorp
Classification: Uncertain significance for Hereditary breast ovarian cancer syndrome. Last evaluated: 2019-03-11. Review status: criteria provided, single submitter. Criteria: Invitae Variant Classification Sherloc (09022015). Collection method: clinical testing. Allele origin: germline. Not counted in ClinVar's aggregate classification.
Comment: In summary, the available evidence is currently insufficient to determine the role of this variant in disease. Therefore, it has been classified as a Variant of Uncertain Significance. This variant has been reported to affect BRCA2 protein function (PMID: 29884841, 29394989). This variant has been reported in individuals in the Breast Cancer Information Core database (PMID: 10923033). ClinVar contains an entry for this variant (Variation ID: 52563). This variant is not present in population databases (ExAC no frequency). This sequence change replaces tryptophan with arginine at codon 2788 of the BRCA2 protein (p.Trp2788Arg). The tryptophan residue is highly conserved and there is a moderate physicochemical difference between tryptophan and arginine.

Cancer Variant Interpretation Group UK, Institute of Cancer Research, London
Classification: Likely pathogenic for Hereditary Breast and Ovarian Cancer. Last evaluated: 2018-11-23. Review status: criteria provided, single submitter. Criteria: ACMG Guidelines, 2015. Collection method: curation. Allele origin: germline. Not counted in ClinVar's aggregate classification.
Comment: Data used in classification: The frequency of this variant is 0/138,632 individuals (gnomAD) (PM2_mod). This variant is predicted deleterious on AlignGVGD (class: C65), SIFT (Deleterious), Polyphen2 HumVar (probably damaging) and CADD (22.1) (PP3_sup). The variant is in the DNA-binding domain of BRCA2 (PM1_sup). In the VarCall Bayesian statistical model for VUS classification using functional assay data (Guidugli et al Am J Hum Genet 2018; 102:233-248, Couch Lab), the variant has a probability of being deleterious of 0.98 and an overall classification of pathogenic (PS3_strong). Data not used in classification: There are additional reports of this variant in ClinVar (2), BIC (1), and BRCA2 LOVD (1).

Breast Cancer Information Core (BIC) (BRCA2)
Classification: Uncertain significance for Breast-ovarian cancer, familial 2. Last evaluated: 2004-02-20. Review status: no assertion criteria provided. Collection method: clinical testing. Allele origin: germline. Affected: yes. Observed: 1 variant allele. Not counted in ClinVar's aggregate classification.

Literature cited by the submitters: PubMed 12228710 (cited by Ambry Genetics); PubMed 29394989 (cited by 3 submitters); PubMed 33609447 (cited by Ambry Genetics); PubMed 29884841 (cited by Labcorp Genetics (formerly Invitae), Labcorp); PubMed 10923033 (cited by Labcorp Genetics (formerly Invitae), Labcorp).